The following is an entry in ClinVar:

NM_181507.2(HPS5):c.3273G>T (p.Leu1091Phe)

Gene: HPS5 (HPS5 biogenesis of lysosomal organelles complex 2 subunit 2; minus strand). Cytogenetic location: 11p15.1.
Variant type: single nucleotide variant.
Coding change: c.3273G>T on transcript NM_181507.2 (MANE Select); coding-DNA position 3273, G replaced by T.
Protein change: p.Leu1091Phe; replaces leucine 1091 with phenylalanine.
Molecular consequence: missense variant.
Genome position (GRCh38, 1-based): chr11:18,282,006, C>A on the plus strand (G>T on the coding strand, the complement: HPS5 is on the minus strand). VCF-style: chr11-18282006-C-A. GRCh37 (hg19) VCF-style: chr11-18303553-C-A.
Other names: c.2931G>T, p.Leu977Phe (NM_007216.4, NM_181508.2); short protein forms L1091F, L977F.
Identifiers: ClinVar variation 3907019 (VCV003907019.1).

ClinVar aggregate classification (germline): Uncertain significance (1 of 4 stars; one submission).

Submission:

Women's Health and Genetics/Laboratory Corporation of America, LabCorp
Classification: Uncertain significance. Last evaluated: 2025-06-18. Review status: criteria provided, single submitter. Criteria: LabCorp Variant Classification Summary - May 2015. Collection method: clinical testing. Allele origin: germline.
Comment: Variant summary: HPS5 c.3273G>T (p.Leu1091Phe) results in a non-conservative amino acid change in the encoded protein sequence. Algorithms developed to predict the effect of missense changes on protein structure and function are either unavailable or do not agree on the potential impact of this missense change. The variant was absent in 251488 control chromosomes. The available data on variant occurrences in the general population are insufficient to allow any conclusion about variant significance. To our knowledge, no occurrence of c.3273G>T in individuals affected with Hermansky-Pudlak Syndrome and no experimental evidence demonstrating its impact on protein function have been reported. No submitters have cited clinical-significance assessments for this variant to ClinVar. Based on the evidence outlined above, the variant was classified as uncertain significance.